The following is an entry in ClinVar:

NM_002354.3(EPCAM):c.222T>C (p.Asn74=)

Gene: EPCAM (epithelial cell adhesion molecule; plus strand). Cytogenetic location: 2p21.
Variant type: single nucleotide variant.
Coding change: c.222T>C on transcript NM_002354.3 (MANE Select); coding-DNA position 222, T replaced by C.
Protein change: p.Asn74=; no amino-acid change (asparagine 74 retained).
Molecular consequence: synonymous variant.
Genome position (GRCh38, 1-based): chr2:47,373,845, T>C. VCF-style: chr2-47373845-T-C. GRCh37 (hg19) VCF-style: chr2-47600984-T-C.
Identifiers: ClinVar variation 1788093 (VCV001788093.26), dbSNP rs2103747074, ClinGen allele CA426119218.
Genomic context (GRCh38, chr2:47,373,845, plus strand): 5'-TGGCATTAAGGTTTCTTTTTCAGTGGCTGCCAAATGTTTGGTGATGAAGGCAGAAATGAA[T>C]GGCTCAAAACTTGGGAGAAGAGCAAAACCTGAAGGGGCCCTCCAGAACAATGATGGGCTT-3'
Protein context (NP_002345.2, residues 64-84): AKCLVMKAEM[Asn74=]GSKLGRRAKP

ClinVar aggregate classification (germline): Likely benign. Review status: criteria provided, multiple submitters, no conflicts (2 of 4 stars). 2 submissions from 2 submitters: Likely benign (2). Last evaluated 2022-11-01.

Conditions:
Hereditary cancer-predisposing syndrome. Also called: Hereditary neoplastic syndrome; Neoplastic Syndromes, Hereditary; Tumor predisposition; Hereditary Cancer Syndrome. Identifiers: Orphanet 140162, MedGen C0027672, MeSH D009386, MONDO:0015356.

Allele frequency attached by ClinVar (database versions not stated): gnomAD exomes below 0.00001.
gnomAD v4.1: 1 of 1,614,152 alleles (0.000062%); highest among the groups gnomAD compares: Non-Finnish European, 0.000085%; no homozygotes.

Submissions (2):

CeGaT Center for Human Genetics Tuebingen
Classification: Likely benign. Last evaluated: 2022-11-01. Review status: criteria provided, single submitter. Criteria: CeGaT Center For Human Genetics Tuebingen Variant Classification Criteria Version 2. Collection method: clinical testing. Allele origin: germline. Affected: yes. Observed: 1 variant allele.
Comment: EPCAM: PM2:Supporting, BP4, BP7

Ambry Genetics
Classification: Likely benign for Hereditary cancer-predisposing syndrome. Last evaluated: 2022-05-04. Review status: criteria provided, single submitter. Criteria: Ambry Variant Classification Scheme 2023. Collection method: clinical testing. Allele origin: germline.